The following is an entry in ClinVar:

ClinVar aggregate classification (germline): Uncertain significance (1 of 4 stars; one submission).

Submission:

Labcorp Genetics (formerly Invitae), Labcorp
Classification: Uncertain significance. Last evaluated: 2024-10-29. Review status: criteria provided, single submitter. Criteria: Invitae Variant Classification Sherloc (09022015). Collection method: clinical testing. Allele origin: germline.
Comment: This sequence change replaces alanine, which is neutral and non-polar, with valine, which is neutral and non-polar, at codon 1521 of the COL11A1 protein (p.Ala1521Val). This variant is not present in population databases (gnomAD no frequency). This variant has not been reported in the literature in individuals affected with COL11A1-related conditions. Invitae Evidence Modeling of protein sequence and biophysical properties (such as structural, functional, and spatial information, amino acid conservation, physicochemical variation, residue mobility, and thermodynamic stability) indicates that this missense variant is not expected to disrupt COL11A1 protein function with a negative predictive value of 80%. In summary, the available evidence is currently insufficient to determine the role of this variant in disease. Therefore, it has been classified as a Variant of Uncertain Significance.

NM_001854.4(COL11A1):c.4562C>T (p.Ala1521Val)

Gene: COL11A1 (collagen type XI alpha 1 chain; minus strand). Cytogenetic location: 1p21.1.
Variant type: single nucleotide variant.
Coding change: c.4562C>T on transcript NM_001854.4 (MANE Select); coding-DNA position 4562, C replaced by T.
Protein change: p.Ala1521Val; replaces alanine 1521 with valine.
Molecular consequence: missense variant. On other transcripts: non-coding transcript variant (1).
Genome position (GRCh38, 1-based): chr1:102,888,623, G>A on the plus strand (C>T on the coding strand, the complement: COL11A1 is on the minus strand). VCF-style: chr1-102888623-G-A. GRCh37 (hg19) VCF-style: chr1-103354179-G-A.
Other names: c.4445C>T, p.Ala1482Val (NM_001190709.2); c.4598C>T, p.Ala1533Val (NM_080629.3); c.4214C>T, p.Ala1405Val (NM_080630.4); short protein forms A1533V, A1482V, A1405V, A1521V.
Identifiers: ClinVar variation 3664750 (VCV003664750.2).